The following is an entry in ClinVar:

NM_015215.4(CAMTA1):c.2870T>C (p.Leu957Pro)

Gene: CAMTA1 (calmodulin binding transcription activator 1; plus strand). Cytogenetic location: 1p36.23.
Variant type: single nucleotide variant.
Coding change: c.2870T>C on transcript NM_015215.4 (MANE Select); coding-DNA position 2870, T replaced by C.
Protein change: p.Leu957Pro; replaces leucine 957 with proline.
Molecular consequence: missense variant. On other transcripts: 5 prime UTR variant (6).
Genome position (GRCh38, 1-based): chr1:7,677,689, T>C. VCF-style: chr1-7677689-T-C. GRCh37 (hg19) VCF-style: chr1-7737749-T-C.
Other names: c.2780T>C, p.Leu927Pro (NM_001349608.2, NM_001349612.2); c.2870T>C, p.Leu957Pro (NM_001349609.2, NM_001349610.2, NM_001410737.1); c.-59T>C (NM_001349614.1, NM_001349617.1, NM_001349620.1 and 3 more transcripts); c.2798T>C, p.Leu933Pro (NM_001410738.1); short protein forms L927P, L933P, L957P.
Identifiers: ClinVar variation 3903005 (VCV003903005.2).

ClinVar aggregate classification (germline): Uncertain significance (1 of 4 stars; one submission).

Submission:

GeneDx
Classification: Uncertain significance. Last evaluated: 2026-04-09. Review status: criteria provided, single submitter. Criteria: GeneDx Variant Classification Process June 2021. Collection method: clinical testing. Allele origin: germline.
Comment: Not observed at significant frequency in large population cohorts (gnomAD); In silico analysis supports that this missense variant has a deleterious effect on protein structure/function; Has not been previously published as pathogenic or benign to our knowledge